The following is an entry in ClinVar:

ClinVar aggregate classification (germline): Uncertain significance. Review status: criteria provided, multiple submitters, no conflicts (2 of 4 stars). 3 submissions from 3 submitters: Uncertain significance (3). Last evaluated 2023-06-06.

Conditions:
Inborn genetic diseases. Identifiers: MedGen C0950123, MeSH D030342.
LAMA2-related muscular dystrophy (LAMA2-RD). Also called: Laminin alpha 2-related dystrophy. Identifiers: MedGen C5679788, MONDO:0100228.

Allele frequency attached by ClinVar (database versions not stated): gnomAD exomes below 0.00001.
gnomAD v4.1: 1 of 1,611,508 alleles (0.000062%); highest among the groups gnomAD compares: Non-Finnish European, 0.000085%; no homozygotes.

Submissions (3):

Ambry Genetics
Classification: Uncertain significance for Inborn genetic diseases. Last evaluated: 2023-06-06. Review status: criteria provided, single submitter. Criteria: Ambry Variant Classification Scheme 2023. Collection method: clinical testing. Allele origin: germline.

Labcorp Genetics (formerly Invitae), Labcorp
Classification: Uncertain significance for LAMA2-related muscular dystrophy. Last evaluated: 2022-07-19. Review status: criteria provided, single submitter. Criteria: Invitae Variant Classification Sherloc (09022015). Collection method: clinical testing. Allele origin: germline.
Comment: In summary, the available evidence is currently insufficient to determine the role of this variant in disease. Therefore, it has been classified as a Variant of Uncertain Significance. Advanced modeling of protein sequence and biophysical properties (such as structural, functional, and spatial information, amino acid conservation, physicochemical variation, residue mobility, and thermodynamic stability) performed at Invitae indicates that this missense variant is not expected to disrupt LAMA2 protein function. ClinVar contains an entry for this variant (Variation ID: 1021094). This variant has not been reported in the literature in individuals affected with LAMA2-related conditions. This variant is present in population databases (no rsID available, gnomAD 0.0009%). This sequence change replaces glutamine, which is neutral and polar, with leucine, which is neutral and non-polar, at codon 2638 of the LAMA2 protein (p.Gln2638Leu).

Blueprint Genetics
Classification: Uncertain significance. Last evaluated: 2021-03-23. Review status: criteria provided, single submitter. Criteria: ACMG Guidelines, 2015. Collection method: clinical testing. Allele origin: germline.

NM_000426.4(LAMA2):c.7913A>T (p.Gln2638Leu)

Gene: LAMA2 (laminin subunit alpha 2; plus strand). Cytogenetic location: 6q22.33.
Variant type: single nucleotide variant.
Coding change: c.7913A>T on transcript NM_000426.4 (MANE Select); coding-DNA position 7913, A replaced by T.
Protein change: p.Gln2638Leu; replaces glutamine 2638 with leucine.
Molecular consequence: missense variant.
Genome position (GRCh38, 1-based): chr6:129,491,915, A>T. VCF-style: chr6-129491915-A-T. GRCh37 (hg19) VCF-style: chr6-129813060-A-T.
Other names: c.7901A>T, p.Gln2634Leu (NM_001079823.2); c.7913A>T (NM_000426.3); short protein forms Q2634L, Q2638L.
Identifiers: ClinVar variation 1021094 (VCV001021094.11), dbSNP rs1200724538, ClinGen allele CA365630415.